The following is an entry in ClinVar:

NM_001349798.2(FBXW7):c.1120A>G (p.Lys374Glu)

Gene: FBXW7 (F-box and WD repeat domain containing 7; minus strand). Cytogenetic location: 4q31.3.
Variant type: single nucleotide variant.
Coding change: c.1120A>G on transcript NM_001349798.2 (MANE Select); coding-DNA position 1120, A replaced by G.
Protein change: p.Lys374Glu; replaces lysine 374 with glutamic acid.
Molecular consequence: missense variant.
Genome position (GRCh38, 1-based): chr4:152,330,734, T>C on the plus strand (A>G on the coding strand, the complement: FBXW7 is on the minus strand). VCF-style: chr4-152330734-T-C. GRCh37 (hg19) VCF-style: chr4-153251886-T-C.
Other names: c.766A>G, p.Lys256Glu (NM_001013415.2); c.880A>G, p.Lys294Glu (NM_018315.5); c.1120A>G, p.Lys374Glu (NM_033632.3); short protein forms K294E, K374E, K256E.
Identifiers: ClinVar variation 2703871 (VCV002703871.3), dbSNP rs937391131, ClinGen allele CA108586891.

ClinVar aggregate classification (germline): Uncertain significance (1 of 4 stars; one submission).

Allele frequency attached by ClinVar (database versions not stated): gnomAD exomes below 0.00001; TOPMed below 0.00001; gnomAD 0.00001.
gnomAD v4.1: 6 of 1,611,682 alleles (0.00037%); highest among the groups gnomAD compares: South Asian, 0.0011%; no homozygotes.

Submission:

Labcorp Genetics (formerly Invitae), Labcorp
Classification: Uncertain significance. Last evaluated: 2023-12-18. Review status: criteria provided, single submitter. Criteria: Invitae Variant Classification Sherloc (09022015). Collection method: clinical testing. Allele origin: germline.
Comment: This sequence change replaces lysine, which is basic and polar, with glutamic acid, which is acidic and polar, at codon 374 of the FBXW7 protein (p.Lys374Glu). This variant is present in population databases (no rsID available, gnomAD 0.0009%). This variant has not been reported in the literature in individuals affected with FBXW7-related conditions. An algorithm developed to predict the effect of missense changes on protein structure and function (PolyPhen-2) suggests that this variant is likely to be tolerated. Algorithms developed to predict the effect of sequence changes on RNA splicing suggest that this variant may disrupt the consensus splice site. In summary, the available evidence is currently insufficient to determine the role of this variant in disease. Therefore, it has been classified as a Variant of Uncertain Significance.